The following is an entry in ClinVar:

ClinVar aggregate classification (germline): Uncertain significance (1 of 4 stars; one submission).

Conditions:
Cardiovascular phenotype. Identifiers: MedGen CN230736.

Submission:

Ambry Genetics
Classification: Uncertain significance for Cardiovascular phenotype. Last evaluated: 2024-01-08. Review status: criteria provided, single submitter. Criteria: Ambry Variant Classification Scheme 2023. Collection method: clinical testing. Allele origin: germline.
Comment: The p.E2294V variant (also known as c.6881A>T), located in coding exon 19 of the TNXB gene, results from an A to T substitution at nucleotide position 6881. The glutamic acid at codon 2294 is replaced by valine, an amino acid with dissimilar properties. This amino acid position is conserved. In addition, this alteration is predicted to be tolerated by in silico analysis. Since supporting evidence is limited at this time, the clinical significance of this alteration remains unclear.

NM_001365276.2(TNXB):c.6881A>T (p.Glu2294Val)

Gene: TNXB (tenascin XB; minus strand). Cytogenetic location: 6p21.33.
Variant type: single nucleotide variant.
Coding change: c.6881A>T on transcript NM_001365276.2 (MANE Select); coding-DNA position 6881, A replaced by T.
Protein change: p.Glu2294Val; replaces glutamic acid 2294 with valine.
Molecular consequence: missense variant.
Genome position (GRCh38, 1-based): chr6:32,062,444, T>A on the plus strand (A>T on the coding strand, the complement: TNXB is on the minus strand). VCF-style: chr6-32062444-T-A. GRCh37 (hg19) VCF-style: chr6-32030221-T-A.
Other names: c.7622A>T, p.Glu2541Val (NM_001428335.1); c.6881A>T, p.Glu2294Val (NM_019105.8); short protein forms E2294V, E2541V.
Identifiers: ClinVar variation 3227311 (VCV003227311.1), dbSNP rs2483520395, ClinGen allele CA363554540.